The following is an entry in ClinVar:

ClinVar aggregate classification (germline): Uncertain significance. Review status: criteria provided, multiple submitters, no conflicts (2 of 4 stars). 2 submissions from 2 submitters: Uncertain significance (2). Last evaluated 2025-11-05.

Conditions:
Inborn genetic diseases. Identifiers: MedGen C0950123, MeSH D030342.

Allele frequency attached by ClinVar (database versions not stated): gnomAD exomes below 0.00001; ExAC 0.00002; TOPMed 0.00005; gnomAD 0.00007; 1000 Genomes Project 30x 0.00016; 1000 Genomes Project 0.00020.
gnomAD v4.1: 15 of 1,614,130 alleles (0.00093%); highest among the groups gnomAD compares: African/African-American, 0.017%; no homozygotes.

Submissions (2):

Ambry Genetics
Classification: Uncertain significance for Inborn genetic diseases. Last evaluated: 2025-11-05. Review status: criteria provided, single submitter. Criteria: Ambry Variant Classification Scheme 2023. Collection method: clinical testing. Allele origin: germline.

Labcorp Genetics (formerly Invitae), Labcorp
Classification: Uncertain significance. Last evaluated: 2023-02-26. Review status: criteria provided, single submitter. Criteria: Invitae Variant Classification Sherloc (09022015). Collection method: clinical testing. Allele origin: germline.
Comment: In summary, the available evidence is currently insufficient to determine the role of this variant in disease. Therefore, it has been classified as a Variant of Uncertain Significance. Advanced modeling of protein sequence and biophysical properties (such as structural, functional, and spatial information, amino acid conservation, physicochemical variation, residue mobility, and thermodynamic stability) performed at Invitae indicates that this missense variant is not expected to disrupt TTBK2 protein function. ClinVar contains an entry for this variant (Variation ID: 1980147). This variant has not been reported in the literature in individuals affected with TTBK2-related conditions. This variant is present in population databases (rs531289284, gnomAD 0.03%). This sequence change replaces threonine, which is neutral and polar, with alanine, which is neutral and non-polar, at codon 653 of the TTBK2 protein (p.Thr653Ala).

NM_173500.4(TTBK2):c.1957A>G (p.Thr653Ala)

Gene: TTBK2 (tau tubulin kinase 2; minus strand). Cytogenetic location: 15q15.2.
Variant type: single nucleotide variant.
Coding change: c.1957A>G on transcript NM_173500.4 (MANE Select); coding-DNA position 1957, A replaced by G.
Protein change: p.Thr653Ala; replaces threonine 653 with alanine.
Molecular consequence: missense variant.
Genome position (GRCh38, 1-based): chr15:42,775,176, T>C on the plus strand (A>G on the coding strand, the complement: TTBK2 is on the minus strand). VCF-style: chr15-42775176-T-C. GRCh37 (hg19) VCF-style: chr15-43067374-T-C.
Other names: short protein forms T653A.
Identifiers: ClinVar variation 1980147 (VCV001980147.5), dbSNP rs531289284, ClinGen allele CA7516814.